The following is an entry in ClinVar:

NM_001394062.1(MACF1):c.16527C>A (p.Val5509=)

Gene: MACF1 (microtubule actin crosslinking factor 1; plus strand). Cytogenetic location: 1p34.3.
Variant type: single nucleotide variant.
Coding change: c.16527C>A on transcript NM_001394062.1 (MANE Select); coding-DNA position 16527, C replaced by A.
Protein change: p.Val5509=; no amino-acid change (valine 5509 retained).
Molecular consequence: synonymous variant. On other transcripts: intron variant (1).
Genome position (GRCh38, 1-based): chr1:39,428,011, C>A. VCF-style: chr1-39428011-C-A. GRCh37 (hg19) VCF-style: chr1-39893683-C-A.
Other names: c.10341C>A, p.Val3447= (NM_012090.5); c.4872+397C>A (NM_001397473.1).
Identifiers: ClinVar variation 2060093 (VCV002060093.5), dbSNP rs139676942, ClinGen allele CA783382.

ClinVar aggregate classification (germline): Benign/Likely benign. Review status: criteria provided, multiple submitters, no conflicts (2 of 4 stars). 2 submissions from 2 submitters: Benign (1); Likely benign (1). Last evaluated 2025-11-20.

Conditions:
MACF1-related disorder. Also called: MACF1-related condition.

Allele frequency attached by ClinVar (database versions not stated): ESP Exome Variant Server 0.00015; gnomAD exomes 0.00048; gnomAD 0.00068; TOPMed 0.00075; ExAC 0.00158; 1000 Genomes Project 30x 0.00297; 1000 Genomes Project 0.00339.
gnomAD v4.1: 819 of 1,614,152 alleles (0.051%); highest among the groups gnomAD compares: East Asian, 1.4%; 5 homozygotes.

Submissions (2):

PreventionGenetics, part of Exact Sciences
Classification: Likely benign for MACF1-related condition. Last evaluated: 2025-11-20. Review status: criteria provided, single submitter. Criteria: ACMG Guidelines, 2015. Collection method: clinical testing. Allele origin: germline.
Comment: This variant is classified as likely benign based on ACMG/AMP sequence variant interpretation guidelines (Richards et al. 2015 PMID: 25741868, with internal and published modifications).

Labcorp Genetics (formerly Invitae), Labcorp
Classification: Benign. Last evaluated: 2025-07-14. Review status: criteria provided, single submitter. Criteria: Invitae Variant Classification Sherloc (09022015). Collection method: clinical testing. Allele origin: germline.